The following is an entry in ClinVar:

NC_000016.9:g.(?_88851289)_(89383486_?)del

Genes: CBFA2T3 (CBFA2/RUNX1 partner transcriptional co-repressor 3; minus strand), CDH15 (cadherin 15; plus strand), TRAPPC2L (trafficking protein particle complex subunit 2L; plus strand), ZNF778 (zinc finger protein 778; plus strand), ACSF3 (acyl-CoA synthetase family member 3; plus strand) and 7 more. Cytogenetic location: 16q24.3.
Variant type: Deletion.
Identifiers: ClinVar variation 3243662 (VCV003243662.1).

ClinVar aggregate classification (germline): Pathogenic (1 of 4 stars; one submission).

Submission:

Labcorp Genetics (formerly Invitae), Labcorp
Classification: Pathogenic. Last evaluated: 2023-09-08. Review status: criteria provided, single submitter. Criteria: Invitae Variant Classification Sherloc (09022015). Collection method: clinical testing. Allele origin: unknown.
Comment: For these reasons, this variant has been classified as Pathogenic. This variant has not been reported in the literature in individuals affected with CDT1-related conditions. A gross deletion of the genomic region encompassing the full coding sequence of the CDT1 gene has been identified. Loss-of-function variants in CDT1 are known to be pathogenic (PMID: 21358632, 22333897). The boundaries of this event are unknown as they extend beyond the assayed region for this gene and therefore may encompass additional genes.

Literature cited by the submitters: PubMed 21358632; PubMed 22333897.